The following is an entry in ClinVar:

NM_014874.4(MFN2):c.283_285del (p.Arg95del)

Gene: MFN2 (mitofusin 2; plus strand). Cytogenetic location: 1p36.22.
Variant type: Deletion.
Coding change: c.283_285del on transcript NM_014874.4 (MANE Select); coding-DNA positions 283 to 285, 3 bases deleted (AGG; older notation c.283_285delAGG).
Protein change: p.Arg95del; deletes arginine 95.
Molecular consequence: inframe deletion.
Genome position (GRCh38, 1-based): chr1:11,992,662-11,992,664, AGG deleted; deleting any 3 consecutive bases within chr1:11,992,660-11,992,664 gives the same sequence; the c. name uses the placement nearest the transcript's 3' end. VCF-style (leftmost placement, unchanged base first): chr1-11992659-CGGA-C. GRCh37 (hg19) VCF-style: chr1-12052716-CGGA-C.
Other names: c.283_285del, p.Arg95del (NM_001127660.2); short protein forms R95del.
Identifiers: ClinVar variation 968404 (VCV000968404.9), dbSNP rs1638740322, ClinGen allele CA1139655972.

ClinVar aggregate classification (germline): Pathogenic (1 of 4 stars; one submission).

Conditions:
Charcot-Marie-Tooth disease type 2. Also called: Charcot-Marie-Tooth type 2. Identifiers: Orphanet 64746, MedGen C0270914, MONDO:0018993.

Submission:

Labcorp Genetics (formerly Invitae), Labcorp
Classification: Pathogenic for Charcot-Marie-Tooth disease type 2. Last evaluated: 2023-05-09. Review status: criteria provided, single submitter. Criteria: Invitae Variant Classification Sherloc (09022015). Collection method: clinical testing. Allele origin: germline.
Comment: For these reasons, this variant has been classified as Pathogenic. This variant disrupts a region of the MFN2 protein in which other variant(s) (p.Arg95) have been determined to be pathogenic (PMID: 15064763, 16437557, 16714318, 17215403, 19889647, 20418531, 24126688, 24862862, 26686600, 27549087). This suggests that this is a clinically significant region of the protein, and that variants that disrupt it are likely to be disease-causing. ClinVar contains an entry for this variant (Variation ID: 968404). This variant has not been reported in the literature in individuals affected with MFN2-related conditions. This variant is not present in population databases (gnomAD no frequency). This variant, c.283_285del, results in the deletion of 1 amino acid(s) of the MFN2 protein (p.Arg95del), but otherwise preserves the integrity of the reading frame.

Literature cited by the submitters: PubMed 15064763; PubMed 16437557; PubMed 16714318; PubMed 17215403; PubMed 19889647; PubMed 20418531; PubMed 24126688; PubMed 24862862; PubMed 26686600; PubMed 27549087.